The following is an entry in ClinVar:

NM_004360.5(CDH1):c.*1120T>C

Gene: CDH1 (cadherin 1; plus strand). Cytogenetic location: 16q22.1.
Variant type: single nucleotide variant.
Coding change: c.*1120T>C on transcript NM_004360.5 (MANE Select); 1120 bases downstream of the stop codon, T replaced by C.
Molecular consequence: 3 prime UTR variant.
Genome position (GRCh38, 1-based): chr16:68,834,619, T>C. VCF-style: chr16-68834619-T-C. GRCh37 (hg19) VCF-style: chr16-68868522-T-C.
Other names: c.*1120T>C (LRG_301t1, NM_001317184.2, NM_001317185.2 and 1 more transcripts).
Identifiers: ClinVar variation 320291 (VCV000320291.9), dbSNP rs13689, ClinGen allele CA10647981.

ClinVar aggregate classification (germline): Benign. Review status: reviewed by expert panel (3 of 4 stars). 3 submissions from 3 submitters: Benign (1). 2 of the submissions do not count toward it. Last evaluated 2023-08-10.

Conditions:
CDH1-related diffuse gastric and lobular breast cancer syndrome. Also called: CDH1-related diffuse gastric and lobular breast cancer. Identifiers: MedGen CN311521, MONDO:0100488.
Hereditary diffuse gastric adenocarcinoma (HDGC). Also called: DIFFUSE GASTRIC AND LOBULAR BREAST CANCER SYNDROME. Identifiers: Orphanet 26106, MedGen C1708349, MONDO:0007648, OMIM 137215.

Allele frequency attached by ClinVar (database versions not stated): 1000 Genomes Project 0.15136; 1000 Genomes Project 30x 0.15178; gnomAD exomes 0.16938; gnomAD 0.17831 and 0.18034; TOPMed 0.17882.
gnomAD v4.1: 42,281 of 241,904 alleles (17%); highest among the groups gnomAD compares: Middle Eastern, 19%; 3,754 homozygotes.

Submissions (3):

Clingen Gastric Cancer Variant Curation Expert Panel
Classification: Benign for CDH1-related diffuse gastric and lobular breast cancer syndrome. Last evaluated: 2023-08-10. Review status: reviewed by expert panel. Criteria: ClinGen CDH1 ACMG Specifications V3.1. Collection method: curation. Allele origin: germline. Inheritance: Autosomal dominant inheritance.
Comment: The NM_004360.5(CDH1):c.*1120T>C variant has an allele frequency of 0.21013 (21%, 730/3474 alleles, 79 homozygotes) in the African subpopulation of the gnomAD v2.1.1 cohort (BA1; BP2). Therefore, this variant meets criteria to be classified as benign. ACMG/AMP criteria applied, as specified by the CDH1 Variant Curation Expert Panel (Variant Interpretation Guidelines Version 3.1): BA1, BP2.

Illumina Laboratory Services, Illumina
Classification: Benign for Hereditary diffuse gastric adenocarcinoma. Last evaluated: 2018-01-12. Review status: criteria provided, single submitter. Criteria: ICSL Variant Classification Criteria 13 December 2019. Collection method: clinical testing. Allele origin: germline. Not counted in ClinVar's aggregate classification.
Comment: This variant was observed in the ICSL laboratory as part of a predisposition screen in an ostensibly healthy population. It had not been previously curated by ICSL or reported in the Human Gene Mutation Database (HGMD: prior to June 1st, 2018), and was therefore a candidate for classification through an automated scoring system. Utilizing variant allele frequency, disease prevalence and penetrance estimates, and inheritance mode, an automated score was calculated to assess if this variant is too frequent to cause the disease. Based on the score and internal cut-off values, a variant classified as benign is not then subjected to further curation. The score for this variant resulted in a classification of benign for this disease.

Breakthrough Genomics
Classification: Benign. Review status: criteria provided, single submitter. Criteria: ACMG Guidelines, 2015. Collection method: not provided. Allele origin: germline. Inheritance: Autosomal dominant inheritance. Affected: yes. Not counted in ClinVar's aggregate classification.